The following is an entry in ClinVar:

NM_002474.3(MYH11):c.758C>T (p.Thr253Met)

Gene: MYH11 (myosin heavy chain 11; minus strand). Cytogenetic location: 16p13.11.
Variant type: single nucleotide variant.
Coding change: c.758C>T on transcript NM_002474.3 (MANE Select); coding-DNA position 758, C replaced by T.
Protein change: p.Thr253Met; replaces threonine 253 with methionine.
Molecular consequence: missense variant.
Genome position (GRCh38, 1-based): chr16:15,778,812, G>A on the plus strand (C>T on the coding strand, the complement: MYH11 is on the minus strand). VCF-style: chr16-15778812-G-A. GRCh37 (hg19) VCF-style: chr16-15872669-G-A.
Other names: c.779C>T, p.Thr260Met (NM_001040113.2, NM_001040114.2); c.758C>T, p.Thr253Met (NM_022844.3); short protein forms T253M, T260M.
Identifiers: ClinVar variation 263519 (VCV000263519.21), dbSNP rs745787304, ClinGen allele CA7922828.
Genomic context (GRCh38, chr16:15,778,812, plus strand): 5'-ATTTGGCCCAGGCTCAGGGAAAGGATACAGGTCTCAATGTTGGCTCCCACGATGTAACCC[G>A]TGACGTCGAAGTTGATGCGGATGAATTTGCCCTGCCAACAGGAAAACACAGTTCAGGCTT-3'
Protein context (NP_002465.1, residues 243-263): GKFIRINFDV[Thr253Met]GYIVGANIET

ClinVar aggregate classification (germline): Uncertain significance. Review status: criteria provided, multiple submitters, no conflicts (2 of 4 stars). 5 submissions from 5 submitters: Uncertain significance (5). Last evaluated 2026-09-29.

Conditions:
Familial thoracic aortic aneurysm and aortic dissection (TAAD). Also called: Thoracic aortic aneurysms and dissections. Identifiers: Orphanet 91387, MedGen C4707243, MONDO:0019625.
Aortic aneurysm, familial thoracic 4 (AAT4). Also called: AORTIC ANEURYSM/AORTIC DISSECTION AND PATENT DUCTUS ARTERIOSUS. Identifiers: MedGen C1851504, MONDO:0007568, OMIM 132900.

Allele frequency attached by ClinVar (database versions not stated): gnomAD 0.00003; gnomAD exomes 0.00002 and 0.00004; TOPMed 0.00002; ExAC 0.00005.
gnomAD v4.1: 31 of 1,614,006 alleles (0.0019%); highest among the groups gnomAD compares: African/African-American, 0.0053%; no homozygotes.

Submissions (5):

GeneDx
Classification: Uncertain significance. Last evaluated: 2026-09-29. Review status: criteria provided, single submitter. Criteria: GeneDx Variant Classification Process June 2021. Collection method: clinical testing. Allele origin: germline.
Comment: Has been reported in an individual with Marfan-like features who also harbored another variant in the MYH11 gene (PMID: 29307550); In silico analysis supports that this missense variant has a deleterious effect on protein structure/function; This variant is associated with the following publications: (PMID: 29307550, 29307552, 33057194, 35982159)

Labcorp Genetics (formerly Invitae), Labcorp
Classification: Uncertain significance for Aortic aneurysm, familial thoracic 4. Last evaluated: 2026-02-01. Review status: criteria provided, single submitter. Criteria: Invitae Variant Classification Sherloc (09022015). Collection method: clinical testing. Allele origin: germline.
Comment: This sequence change replaces threonine, which is neutral and polar, with methionine, which is neutral and non-polar, at codon 260 of the MYH11 protein (p.Thr260Met). This variant is present in population databases (rs745787304, gnomAD 0.007%). This variant has not been reported in the literature in individuals affected with MYH11-related conditions. ClinVar contains an entry for this variant (Variation ID: 263519). Invitae Evidence Modeling of protein sequence and biophysical properties (such as structural, functional, and spatial information, amino acid conservation, physicochemical variation, residue mobility, and thermodynamic stability) indicates that this missense variant is not expected to disrupt MYH11 protein function with a negative predictive value of 95%. In summary, the available evidence is currently insufficient to determine the role of this variant in disease. Therefore, it has been classified as a Variant of Uncertain Significance.

Color Diagnostics, LLC DBA Color Health
Classification: Uncertain significance for Familial thoracic aortic aneurysm and aortic dissection. Last evaluated: 2024-03-06. Review status: criteria provided, single submitter. Criteria: ACMG Guidelines, 2015. Collection method: clinical testing. Allele origin: germline.
Comment: This missense variant replaces threonine with methionine at codon 260 of the MYH11 protein. Computational prediction is inconclusive regarding the impact of this variant on protein structure and function (internally defined REVEL score threshold 0.5 < inconclusive < 0.7, PMID: 27666373). To our knowledge, functional studies have not been reported for this variant. This variant has not been reported in individuals affected with MYH11-related disorders in the literature. This variant has been identified in 11/251476 chromosomes in the general population by the Genome Aggregation Database (gnomAD). The available evidence is insufficient to determine the role of this variant in disease conclusively. Therefore, this variant is classified as a Variant of Uncertain Significance.

Ambry Genetics
Classification: Uncertain significance for Familial thoracic aortic aneurysm and aortic dissection. Last evaluated: 2022-05-02. Review status: criteria provided, single submitter. Criteria: Ambry Variant Classification Scheme 2023. Collection method: clinical testing. Allele origin: germline.
Comment: The p.T253M variant (also known as c.758C>T), located in coding exon 6 of the MYH11 gene, results from a C to T substitution at nucleotide position 758. The threonine at codon 253 is replaced by methionine, an amino acid with similar properties. This amino acid position is well conserved in available vertebrate species. In addition, the in silico prediction for this alteration is inconclusive. Since supporting evidence is limited at this time, the clinical significance of this alteration remains unclear.

Illumina Laboratory Services, Illumina
Classification: Uncertain significance for Aortic aneurysm, familial thoracic 4. Last evaluated: 2018-01-13. Review status: criteria provided, single submitter. Criteria: ICSL Variant Classification Criteria 13 December 2019. Collection method: clinical testing. Allele origin: germline.